The following is an entry in ClinVar:

ClinVar aggregate classification (germline): Uncertain significance (1 of 4 stars; one submission).

Submission:

Labcorp Genetics (formerly Invitae), Labcorp
Classification: Uncertain significance. Last evaluated: 2024-05-15. Review status: criteria provided, single submitter. Criteria: Invitae Variant Classification Sherloc (09022015). Collection method: clinical testing. Allele origin: germline.
Comment: This sequence change replaces glycine, which is neutral and non-polar, with glutamic acid, which is acidic and polar, at codon 237 of the MTHFD1 protein (p.Gly237Glu). This variant is not present in population databases (gnomAD no frequency). This variant has not been reported in the literature in individuals affected with MTHFD1-related conditions. Advanced modeling of protein sequence and biophysical properties (such as structural, functional, and spatial information, amino acid conservation, physicochemical variation, residue mobility, and thermodynamic stability) performed at Invitae indicates that this missense variant is expected to disrupt MTHFD1 protein function with a positive predictive value of 80%. In summary, the available evidence is currently insufficient to determine the role of this variant in disease. Therefore, it has been classified as a Variant of Uncertain Significance.

NM_005956.4(MTHFD1):c.710G>A (p.Gly237Glu)

Gene: MTHFD1 (methylenetetrahydrofolate dehydrogenase, cyclohydrolase and formyltetrahydrofolate synthetase 1; plus strand). Cytogenetic location: 14q23.3.
Variant type: single nucleotide variant.
Coding change: c.710G>A on transcript NM_005956.4 (MANE Select); coding-DNA position 710, G replaced by A.
Protein change: p.Gly237Glu; replaces glycine 237 with glutamic acid.
Molecular consequence: missense variant.
Genome position (GRCh38, 1-based): chr14:64,419,908, G>A. VCF-style: chr14-64419908-G-A. GRCh37 (hg19) VCF-style: chr14-64886626-G-A.
Other names: c.710G>A, p.Gly237Glu (NM_001364837.1); short protein forms G237E.
Identifiers: ClinVar variation 3649224 (VCV003649224.2).